The following is an entry in ClinVar:

ClinVar aggregate classification (germline): Uncertain significance (1 of 4 stars; one submission).

Conditions:
Charcot-Marie-Tooth disease axonal type 2P. Also called: CHARCOT-MARIE-TOOTH NEUROPATHY, TYPE 2P; Charcot-Marie-Tooth Neuropathy Type 2G; CHARCOT-MARIE-TOOTH DISEASE, AXONAL, TYPE 2G; CMT 2G. Identifiers: Orphanet 300319, Orphanet 99941, MedGen C3280797, MONDO:0013753, OMIM 614436.

Allele frequency attached by ClinVar (database versions not stated): gnomAD 0.00001.

Submission:

Labcorp Genetics (formerly Invitae), Labcorp
Classification: Uncertain significance for Charcot-Marie-Tooth disease axonal type 2P. Last evaluated: 2025-07-10. Review status: criteria provided, single submitter. Criteria: Invitae Variant Classification Sherloc (09022015). Collection method: clinical testing. Allele origin: germline.
Comment: This sequence change replaces histidine, which is basic and polar, with arginine, which is basic and polar, at codon 593 of the LRSAM1 protein (p.His593Arg). This variant is not present in population databases (gnomAD no frequency). This variant has not been reported in the literature in individuals affected with LRSAM1-related conditions. ClinVar contains an entry for this variant (Variation ID: 2905803). Invitae Evidence Modeling of protein sequence and biophysical properties (such as structural, functional, and spatial information, amino acid conservation, physicochemical variation, residue mobility, and thermodynamic stability) indicates that this missense variant is expected to disrupt LRSAM1 protein function with a positive predictive value of 80%. In summary, the available evidence is currently insufficient to determine the role of this variant in disease. Therefore, it has been classified as a Variant of Uncertain Significance.

NM_001005373.4(LRSAM1):c.1778A>G (p.His593Arg)

Gene: LRSAM1 (leucine rich repeat and sterile alpha motif containing 1; plus strand). Cytogenetic location: 9q33.3.
Variant type: single nucleotide variant.
Coding change: c.1778A>G on transcript NM_001005373.4 (MANE Select); coding-DNA position 1778, A replaced by G.
Protein change: p.His593Arg; replaces histidine 593 with arginine.
Molecular consequence: missense variant. On other transcripts: non-coding transcript variant (2).
Genome position (GRCh38, 1-based): chr9:127,496,043, A>G. VCF-style: chr9-127496043-A-G. GRCh37 (hg19) VCF-style: chr9-130258322-A-G.
Other names: c.1778A>G, p.His593Arg (NM_001005374.4, NM_001384142.1, NM_138361.5); c.1697A>G, p.His566Arg (NM_001190723.3); c.1679A>G, p.His560Arg (NM_001384143.1); c.989A>G, p.His330Arg (NM_001384144.1); short protein forms H330R, H560R, H593R, H566R.
Identifiers: ClinVar variation 2905803 (VCV002905803.3), dbSNP rs1373299594, ClinGen allele CA374935852.